The following is an entry in ClinVar:

ClinVar aggregate classification (germline): Uncertain significance. Review status: criteria provided, multiple submitters, no conflicts (2 of 4 stars). 2 submissions from 2 submitters: Uncertain significance (2). Last evaluated 2024-04-10.

Conditions:
Epileptic encephalopathy. Identifiers: MedGen C0543888, HP:0200134.

Allele frequency attached by ClinVar (database versions not stated): gnomAD 0.00004 and 0.00005; gnomAD exomes 0.00005 and 0.00009; ExAC 0.00009; TOPMed 0.00010.
gnomAD v4.1: 84 of 1,612,138 alleles (0.0052%); highest among the groups gnomAD compares: South Asian, 0.041%; 1 homozygote.

Submissions (2):

Labcorp Genetics (formerly Invitae), Labcorp
Classification: Uncertain significance for Epileptic encephalopathy. Last evaluated: 2024-04-10. Review status: criteria provided, single submitter. Criteria: Invitae Variant Classification Sherloc (09022015). Collection method: clinical testing. Allele origin: germline.
Comment: This sequence change replaces valine, which is neutral and non-polar, with methionine, which is neutral and non-polar, at codon 2739 of the RYR3 protein (p.Val2739Met). This variant is present in population databases (rs533878383, gnomAD 0.04%). This variant has not been reported in the literature in individuals affected with RYR3-related conditions. ClinVar contains an entry for this variant (Variation ID: 1011773). Advanced modeling of protein sequence and biophysical properties (such as structural, functional, and spatial information, amino acid conservation, physicochemical variation, residue mobility, and thermodynamic stability) performed at Invitae indicates that this missense variant is not expected to disrupt RYR3 protein function with a negative predictive value of 80%. In summary, the available evidence is currently insufficient to determine the role of this variant in disease. Therefore, it has been classified as a Variant of Uncertain Significance.

Ambry Genetics
Classification: Uncertain significance. Last evaluated: 2023-11-22. Review status: criteria provided, single submitter. Criteria: Ambry Variant Classification Scheme 2023. Collection method: clinical testing. Allele origin: germline.

NM_001036.6(RYR3):c.8215G>A (p.Val2739Met)

Gene: RYR3 (ryanodine receptor 3; plus strand). Cytogenetic location: 15q14.
Variant type: single nucleotide variant.
Coding change: c.8215G>A on transcript NM_001036.6 (MANE Select); coding-DNA position 8215, G replaced by A.
Protein change: p.Val2739Met; replaces valine 2739 with methionine.
Molecular consequence: missense variant.
Genome position (GRCh38, 1-based): chr15:33,749,994, G>A. VCF-style: chr15-33749994-G-A. GRCh37 (hg19) VCF-style: chr15-34042195-G-A.
Other names: c.8215G>A (NM_001036.3); c.8215G>A, p.Val2739Met (NM_001243996.4); short protein forms V2739M.
Identifiers: ClinVar variation 1011773 (VCV001011773.9), dbSNP rs533878383, ClinGen allele CA7460144.